The following is an entry in ClinVar:

NM_001164665.2(KIAA1549):c.560G>A (p.Arg187Lys)

Gene: KIAA1549 (KIAA1549; minus strand). Cytogenetic location: 7q34.
Variant type: single nucleotide variant.
Coding change: c.560G>A on transcript NM_001164665.2 (MANE Select); coding-DNA position 560, G replaced by A.
Protein change: p.Arg187Lys; replaces arginine 187 with lysine.
Molecular consequence: missense variant.
Genome position (GRCh38, 1-based): chr7:138,919,066, C>T on the plus strand (G>A on the coding strand, the complement: KIAA1549 is on the minus strand). VCF-style: chr7-138919066-C-T. GRCh37 (hg19) VCF-style: chr7-138603812-C-T.
Other names: c.560G>A, p.Arg187Lys (NM_020910.3); short protein forms R187K.
Identifiers: ClinVar variation 1052958 (VCV001052958.9), dbSNP rs762823216, ClinGen allele CA4506916.

ClinVar aggregate classification (germline): Uncertain significance (1 of 4 stars; one submission).

Allele frequency attached by ClinVar (database versions not stated): gnomAD 0.00001; gnomAD exomes 0.00001; ExAC 0.00002.
gnomAD v4.1: 5 of 1,613,870 alleles (0.00031%); highest among the groups gnomAD compares: Non-Finnish European, 0.00042%; no homozygotes.

Submission:

Labcorp Genetics (formerly Invitae), Labcorp
Classification: Uncertain significance. Last evaluated: 2021-02-26. Review status: criteria provided, single submitter. Criteria: Invitae Variant Classification Sherloc (09022015). Collection method: clinical testing. Allele origin: germline.
Comment: This sequence change replaces arginine with lysine at codon 187 of the KIAA1549 protein (p.Arg187Lys). The arginine residue is weakly conserved and there is a small physicochemical difference between arginine and lysine. This variant is present in population databases (rs762823216, ExAC 0.003%). This variant has not been reported in the literature in individuals with KIAA1549-related conditions. Algorithms developed to predict the effect of missense changes on protein structure and function output the following: SIFT: "Tolerated"; PolyPhen-2: "Benign"; Align-GVGD: "Class C0". The lysine amino acid residue is found in multiple mammalian species, suggesting that this missense change does not adversely affect protein function. These predictions have not been confirmed by published functional studies and their clinical significance is uncertain. In summary, the available evidence is currently insufficient to determine the role of this variant in disease. Therefore, it has been classified as a Variant of Uncertain Significance.